The following is an entry in ClinVar:

ClinVar aggregate classification (germline): Uncertain significance (1 of 4 stars; one submission).

Conditions:
Fetal akinesia deformation sequence 1 (FADS1). Also called: Pena-Shokeir syndrome type I; Fetal akinesia sequence. Identifiers: Orphanet 994, MedGen C1276035, MONDO:0100101, OMIM 208150, HP:0001989.
Congenital myasthenic syndrome 11. Also called: Myasthenic syndrome, congenital, 11, associated with acetylcholine receptor deficiency; MYASTHENIC SYNDROME, CONGENITAL, Ie. Identifiers: Orphanet 590, MedGen C4225367, MONDO:0014588, OMIM 616326.

Allele frequency attached by ClinVar (database versions not stated): gnomAD 0.00002; gnomAD exomes 0.00002; TOPMed 0.00001.

Submission:

Labcorp Genetics (formerly Invitae), Labcorp
Classification: Uncertain significance for Congenital myasthenic syndrome 11; Fetal akinesia deformation sequence 1. Last evaluated: 2021-09-24. Review status: criteria provided, single submitter. Criteria: Invitae Variant Classification Sherloc (09022015). Collection method: clinical testing. Allele origin: germline.
Comment: This sequence change replaces glutamic acid with lysine at codon 344 of the RAPSN protein (p.Glu344Lys). The glutamic acid residue is highly conserved and there is a small physicochemical difference between glutamic acid and lysine. The frequency data for this variant in the population databases is considered unreliable, as metrics indicate poor data quality at this position in the ExAC database. This variant has not been reported in the literature in individuals with RAPSN-related conditions. Algorithms developed to predict the effect of missense changes on protein structure and function are either unavailable or do not agree on the potential impact of this missense change (SIFT: "Deleterious"; PolyPhen-2: "Benign"; Align-GVGD: "Class C0"). In summary, the available evidence is currently insufficient to determine the role of this variant in disease. Therefore, it has been classified as a Variant of Uncertain Significance.

NM_005055.5(RAPSN):c.1030G>A (p.Glu344Lys)

Gene: RAPSN (receptor associated protein of the synapse; minus strand). Cytogenetic location: 11p11.2.
Variant type: single nucleotide variant.
Coding change: c.1030G>A on transcript NM_005055.5 (MANE Select); coding-DNA position 1030, G replaced by A.
Protein change: p.Glu344Lys; replaces glutamic acid 344 with lysine.
Molecular consequence: missense variant.
Genome position (GRCh38, 1-based): chr11:47,438,868, C>T on the plus strand (G>A on the coding strand, the complement: RAPSN is on the minus strand). VCF-style: chr11-47438868-C-T. GRCh37 (hg19) VCF-style: chr11-47460419-C-T.
Other names: c.853G>A, p.Glu285Lys (NM_032645.5); short protein forms E285K, E344K.
Identifiers: ClinVar variation 2187726 (VCV002187726.1), dbSNP rs749939119, ClinGen allele CA5976524.